The following is an entry in ClinVar:

NM_014159.7(SETD2):c.784A>C (p.Ser262Arg)

Gene: SETD2 (SET domain containing 2, histone lysine methyltransferase; minus strand). Cytogenetic location: 3p21.31.
Variant type: single nucleotide variant.
Coding change: c.784A>C on transcript NM_014159.7 (MANE Select); coding-DNA position 784, A replaced by C.
Protein change: p.Ser262Arg; replaces serine 262 with arginine.
Molecular consequence: missense variant. On other transcripts: non-coding transcript variant (1).
Genome position (GRCh38, 1-based): chr3:47,123,852, T>G on the plus strand (A>C on the coding strand, the complement: SETD2 is on the minus strand). VCF-style: chr3-47123852-T-G. GRCh37 (hg19) VCF-style: chr3-47165342-T-G.
Other names: c.652A>C, p.Ser218Arg (NM_001349370.3); short protein forms S262R, S218R.
Identifiers: ClinVar variation 135218 (VCV000135218.1), dbSNP rs544730198, ClinGen allele CA162047.

ClinVar aggregate classification (germline): not provided (0 of 4 stars; one submission).

Allele frequency attached by ClinVar (database versions not stated): gnomAD 0.00001; gnomAD exomes 0.00003; ExAC 0.00004; 1000 Genomes Project 30x 0.00016; 1000 Genomes Project 0.00020.
gnomAD v4.1: 13 of 1,550,574 alleles (0.00084%); highest among the groups gnomAD compares: South Asian, 0.0095%; no homozygotes.

Submission:

ITMI
No classification provided. Condition: AllHighlyPenetrant. Last evaluated: 2013-09-19. Review status: no classification provided. Collection method: reference population. Allele origin: germline.
Comment: Please see associated publication for description of ethnicities

Literature cited by the submitters: PubMed 24728327.